The following is an entry in ClinVar:

NM_053025.4(MYLK):c.5501-7G>C

Genes: MYLK-AS1 (MYLK antisense RNA 1; plus strand), MYLK (myosin light chain kinase; minus strand). Cytogenetic location: 3q21.1.
Variant type: single nucleotide variant.
Coding change: c.5501-7G>C on transcript NM_053025.4 (MANE Select); 7 bases into the intron before coding-DNA position 5501, G replaced by C.
Molecular consequence: intron variant.
Genome position (GRCh38, 1-based): chr3:123,614,356, C>G on the plus strand (G>C on the coding strand, the complement: MYLK is on the minus strand). VCF-style: chr3-123614356-C-G. GRCh37 (hg19) VCF-style: chr3-123333203-C-G.
Other names: c.4973-7G>C (NM_001321309.2); c.5141-7G>C (NM_053028.4); c.5294-7G>C (NM_053026.4); c.5348-7G>C (NM_053027.4); c.218-7G>C (NM_053031.4); c.221-7G>C (NM_053032.4).
Identifiers: ClinVar variation 793767 (VCV000793767.11), dbSNP rs777218222, ClinGen allele CA073073.

ClinVar aggregate classification (germline): Likely benign. Review status: criteria provided, single submitter (1 of 4 stars). 2 submissions from 2 submitters: Likely benign (1). 1 of the submissions does not count toward it. Last evaluated 2022-09-01.

Conditions:
Aortic aneurysm, familial thoracic 7 (AAT7). Also called: AORTIC DISSECTION, FAMILIAL, WITH OR WITHOUT AORTIC ANEURYSM. Identifiers: MedGen C3151077, MONDO:0013418, OMIM 613780.
MYLK-related disorder. Also called: MYLK-related condition.

Allele frequency attached by ClinVar (database versions not stated): gnomAD exomes below 0.00001; ExAC 0.00001.
gnomAD v4.1: 1 of 1,614,164 alleles (0.000062%); highest among the groups gnomAD compares: East Asian, 0.0022%; no homozygotes.

Submissions (2):

Labcorp Genetics (formerly Invitae), Labcorp
Classification: Likely benign for Aortic aneurysm, familial thoracic 7. Last evaluated: 2022-09-01. Review status: criteria provided, single submitter. Criteria: Invitae Variant Classification Sherloc (09022015). Collection method: clinical testing. Allele origin: germline.

PreventionGenetics, part of Exact Sciences
Classification: Likely benign for MYLK-related condition. Last evaluated: 2023-09-13. Review status: no assertion criteria provided. Collection method: clinical testing. Allele origin: germline. Not counted in ClinVar's aggregate classification.
Comment: This variant is classified as likely benign based on ACMG/AMP sequence variant interpretation guidelines (Richards et al. 2015 PMID: 25741868, with internal and published modifications).